The following is an entry in ClinVar:

ClinVar aggregate classification (germline): Uncertain significance. Review status: criteria provided, multiple submitters, no conflicts (2 of 4 stars). 2 submissions from 2 submitters: Uncertain significance (2). Last evaluated 2024-01-14.

Conditions:
Hereditary cancer-predisposing syndrome. Also called: Neoplastic Syndromes, Hereditary; Hereditary neoplastic syndrome; Hereditary Cancer Syndrome; Tumor predisposition. Identifiers: Orphanet 140162, MedGen C0027672, MeSH D009386, MONDO:0015356.
Gastrointestinal stromal tumor. Also called: Gastrointestinal stromal tumor, somatic; Gastrointestinal stroma tumor. Identifiers: Orphanet 44890, MedGen C0238198, MeSH D046152, MONDO:0011719, OMIM 606764, HP:0100723.

Allele frequency attached by ClinVar (database versions not stated): gnomAD exomes below 0.00001.
gnomAD v4.1: 1 of 1,614,102 alleles (0.000062%); highest among the groups gnomAD compares: Non-Finnish European, 0.000085%; no homozygotes.

Submissions (2):

Labcorp Genetics (formerly Invitae), Labcorp
Classification: Uncertain significance for Gastrointestinal stromal tumor. Last evaluated: 2024-01-14. Review status: criteria provided, single submitter. Criteria: Invitae Variant Classification Sherloc (09022015). Collection method: clinical testing. Allele origin: germline.
Comment: This sequence change replaces asparagine, which is neutral and polar, with lysine, which is basic and polar, at codon 467 of the PDGFRA protein (p.Asn467Lys). This variant is not present in population databases (gnomAD no frequency). This variant has not been reported in the literature in individuals affected with PDGFRA-related conditions. ClinVar contains an entry for this variant (Variation ID: 240306). Advanced modeling of protein sequence and biophysical properties (such as structural, functional, and spatial information, amino acid conservation, physicochemical variation, residue mobility, and thermodynamic stability) performed at Invitae indicates that this missense variant is not expected to disrupt PDGFRA protein function with a negative predictive value of 80%. In summary, the available evidence is currently insufficient to determine the role of this variant in disease. Therefore, it has been classified as a Variant of Uncertain Significance.

Ambry Genetics
Classification: Uncertain significance for Hereditary cancer-predisposing syndrome. Last evaluated: 2023-11-03. Review status: criteria provided, single submitter. Criteria: Ambry Variant Classification Scheme 2023. Collection method: clinical testing. Allele origin: germline.
Comment: The p.N467K variant (also known as c.1401C>A), located in coding exon 9 of the PDGFRA gene, results from a C to A substitution at nucleotide position 1401. The asparagine at codon 467 is replaced by lysine, an amino acid with similar properties. This amino acid position is poorly conserved in available vertebrate species. In addition, this alteration is predicted to be tolerated by in silico analysis. Since supporting evidence is limited at this time, the clinical significance of this alteration remains unclear.

NM_006206.6(PDGFRA):c.1401C>A (p.Asn467Lys)

Gene: PDGFRA (platelet derived growth factor receptor alpha; plus strand). Cytogenetic location: 4q12.
Variant type: single nucleotide variant.
Coding change: c.1401C>A on transcript NM_006206.6 (MANE Select); coding-DNA position 1401, C replaced by A.
Protein change: p.Asn467Lys; replaces asparagine 467 with lysine.
Molecular consequence: missense variant.
Genome position (GRCh38, 1-based): chr4:54,273,573, C>A. VCF-style: chr4-54273573-C-A. GRCh37 (hg19) VCF-style: chr4-55139740-C-A.
Other names: c.1401C>A, p.Asn467Lys (NM_001347827.2, NM_001347829.2); c.1476C>A, p.Asn492Lys (NM_001347828.2); c.1440C>A, p.Asn480Lys (NM_001347830.2); short protein forms N467K, N480K, N492K.
Identifiers: ClinVar variation 240306 (VCV000240306.11), dbSNP rs878854821, ClinGen allele CA10582244.